The following is an entry in ClinVar:

NM_000543.5(SMPD1):c.844C>A (p.Pro282Thr)

Gene: SMPD1 (sphingomyelin phosphodiesterase 1; plus strand). Cytogenetic location: 11p15.4.
Variant type: single nucleotide variant.
Coding change: c.844C>A on transcript NM_000543.5 (MANE Select); coding-DNA position 844, C replaced by A.
Protein change: p.Pro282Thr; replaces proline 282 with threonine.
Molecular consequence: missense variant. On other transcripts: 5 prime UTR variant (1), non-coding transcript variant (1).
Genome position (GRCh38, 1-based): chr11:6,391,909, C>A. VCF-style: chr11-6391909-C-A. GRCh37 (hg19) VCF-style: chr11-6413139-C-A.
Other names: c.841C>A, p.Pro281Thr (NM_001007593.3); c.844C>A, p.Pro282Thr (NM_001318087.2, NM_001365135.2); c.-118C>A (NM_001318088.2); short protein forms P281T, P282T.
Identifiers: ClinVar variation 4083198 (VCV004083198.1).

ClinVar aggregate classification (germline): Uncertain significance (1 of 4 stars; one submission).

Submission:

GeneDx
Classification: Uncertain significance. Last evaluated: 2025-03-14. Review status: criteria provided, single submitter. Criteria: GeneDx Variant Classification Process June 2021. Collection method: clinical testing. Allele origin: germline. Affected: yes.
Comment: Reported previously as a heterozygous variant in patient with Parkinson disease and not seen in control samples; however, no further clinical or segregation information was provided (PMID: 39572736); In silico analysis supports that this missense variant has a deleterious effect on protein structure/function; This variant is associated with the following publications: (PMID: 39572736)